The following is an entry in ClinVar:

ClinVar aggregate classification (germline): Uncertain significance. Review status: criteria provided, multiple submitters, no conflicts (2 of 4 stars). 3 submissions from 3 submitters: Uncertain significance (3). Last evaluated 2026-01-26.

Submissions (3):

Labcorp Genetics (formerly Invitae), Labcorp
Classification: Uncertain significance. Last evaluated: 2026-01-26. Review status: criteria provided, single submitter. Criteria: Invitae Variant Classification Sherloc (09022015). Collection method: clinical testing. Allele origin: germline.
Comment: This sequence change creates a premature translational stop signal (p.Glu17*) in the TUB gene. It is expected to result in an absent or disrupted protein product. However, the current clinical and genetic evidence is not sufficient to establish whether loss-of-function variants in TUB cause disease. This variant is not present in population databases (gnomAD no frequency). This variant has not been reported in the literature in individuals affected with TUB-related conditions. ClinVar contains an entry for this variant (Variation ID: 2180220). Algorithms developed to predict the effect of sequence changes on RNA splicing suggest that this variant may create or strengthen a splice site. In summary, the available evidence is currently insufficient to determine the role of this variant in disease. Therefore, it has been classified as a Variant of Uncertain Significance.

GeneDx
Classification: Uncertain significance. Last evaluated: 2025-06-27. Review status: criteria provided, single submitter. Criteria: GeneDx Variant Classification Process June 2021. Collection method: clinical testing. Allele origin: germline. Affected: yes.
Comment: Not observed at significant frequency in large population cohorts (gnomAD); Nonsense variant predicted to result in protein truncation or nonsense mediated decay in a gene or region of a gene for which loss of function is not a well-established mechanism of disease; Has not been previously published as pathogenic or benign to our knowledge

Blueprint Genetics
Classification: Uncertain significance. Last evaluated: 2019-07-09. Review status: criteria provided, single submitter. Criteria: ACMG Guidelines, 2015. Collection method: clinical testing. Allele origin: germline.

NM_003320.5(TUB):c.49G>T (p.Glu17Ter)

Gene: TUB (TUB bipartite transcription factor; plus strand). Cytogenetic location: 11p15.4.
Variant type: single nucleotide variant.
Coding change: c.49G>T on transcript NM_003320.5; coding-DNA position 49, G replaced by T.
Protein change: p.Glu17Ter; replaces glutamic acid 17 with a stop codon.
Molecular consequence: nonsense. On other transcripts: intron variant (4).
Genome position (GRCh38, 1-based): chr11:8,038,922, G>T. VCF-style: chr11-8038922-G-T. GRCh37 (hg19) VCF-style: chr11-8060469-G-T.
Other names: c.56+19564G>T (NM_001440538.1, NM_001440539.1, NM_001440540.1 and 1 more transcripts); short protein forms E17*.
Identifiers: ClinVar variation 2180220 (VCV002180220.4), dbSNP rs144469939, ClinGen allele CA217427783.